The following is an entry in ClinVar:

NM_006516.4(SLC2A1):c.398_399delinsTT (p.Cys133Phe)

Gene: SLC2A1 (solute carrier family 2 member 1; minus strand). Cytogenetic location: 1p34.2.
Variant type: Indel.
Coding change: c.398_399delinsTT on transcript NM_006516.4 (MANE Select); coding-DNA positions 398 to 399, GC replaced by TT.
Protein change: p.Cys133Phe; replaces cysteine 133 with phenylalanine.
Molecular consequence: missense variant.
Genome position (GRCh38, 1-based): chr1:42,930,743-42,930,744, GC replaced by AA on the plus strand (GC replaced by TT on the coding strand, the reverse complement: SLC2A1 is on the minus strand). VCF-style: chr1-42930743-GC-AA. GRCh37 (hg19) VCF-style: chr1-43396414-GC-AA.
Other names: short protein forms C133F.
Identifiers: ClinVar variation 451198 (VCV000451198.1), dbSNP rs1553156161, ClinGen allele CA658656902.
Genomic context (GRCh38, chr1:42,930,743, plus strand): 5'-ACGAAGGGCTGTGGGTGACACTTCACCCACATACATGGGCACGAAGCCTGTGGTCAGGCC[GC>AA]AGTACACACCGATGATGAAGCGGCCCAGGATCAGCATCTCAAAGGACTTGCCCAGTTTCG-3'
Protein context (NP_006507.2, residues 123-143): ILGRFIIGVY[Cys133Phe]GLTTGFVPMY

ClinVar aggregate classification (germline): Likely pathogenic (1 of 4 stars; one submission).

Submission:

GeneDx
Classification: Likely pathogenic. Last evaluated: 2017-08-01. Review status: criteria provided, single submitter. Criteria: GeneDx Variant Classification (06012015). Collection method: clinical testing. Allele origin: germline. Affected: yes.
Comment: The c.398_399delGCinsTT variant in the SLC2A1 gene has not been reported previously as a pathogenic variant, nor as a benign variant, to our knowledge. This variant results in the replacement of a Cysteine residue with a Phenylalanine residue, denoted Cys133Phe. The c.398_399delGCinsTT variant is not observed in large population cohorts (Lek et al., 2016; 1000 Genomes Consortium et al., 2015; Exome Variant Server). This substitution occurs at a position that is not conserved. However, this variant results in a non-conservative amino acid substitution, which is likely to impact secondary protein structure as these residues differ in polarity, charge, size and/or other properties, and in silico analysis predicts this variant is probably damaging to the protein structure/function. We interpret c.398_399delGCinsTT as a likely pathogenic variant.